The following is an entry in ClinVar:

ClinVar aggregate classification (germline): Uncertain significance. Review status: criteria provided, multiple submitters, no conflicts (2 of 4 stars). 2 submissions from 2 submitters: Uncertain significance (2). Last evaluated 2026-07-06.

Conditions:
BAP1-related tumor predisposition syndrome (TPDS1). Also called: Tumor susceptibility linked to germline BAP1 mutations; COMMON Syndrome; TUMOR PREDISPOSITION SYNDROME 1; BAP1 tumor predisposition syndrome. Identifiers: Orphanet 289539, MedGen C3280492, MONDO:0013692, OMIM 614327.
Hereditary cancer-predisposing syndrome. Also called: Tumor predisposition; Hereditary neoplastic syndrome; Hereditary Cancer Syndrome; Neoplastic Syndromes, Hereditary. Identifiers: Orphanet 140162, MedGen C0027672, MeSH D009386, MONDO:0015356.

gnomAD v4.1: 1 of 1,612,176 alleles (0.000062%); highest among the groups gnomAD compares: African/African-American, 0.0013%; no homozygotes.

Submissions (2):

Ambry Genetics
Classification: Uncertain significance for Hereditary cancer-predisposing syndrome. Last evaluated: 2026-07-06. Review status: criteria provided, single submitter. Criteria: Ambry Variant Classification Scheme 2023. Collection method: clinical testing. Allele origin: germline.
Comment: The p.D67A variant (also known as c.200A>C), located in coding exon 4 of the BAP1 gene, results from an A to C substitution at nucleotide position 200. The aspartic acid at codon 67 is replaced by alanine, an amino acid with dissimilar properties. This amino acid position is conserved. In addition, the in silico prediction for this alteration is inconclusive. Based on the available evidence, the clinical significance of this variant remains unclear.

Labcorp Genetics (formerly Invitae), Labcorp
Classification: Uncertain significance for BAP1-related tumor predisposition syndrome. Last evaluated: 2024-05-08. Review status: criteria provided, single submitter. Criteria: Invitae Variant Classification Sherloc (09022015). Collection method: clinical testing. Allele origin: germline.
Comment: This sequence change replaces aspartic acid, which is acidic and polar, with alanine, which is neutral and non-polar, at codon 67 of the BAP1 protein (p.Asp67Ala). This variant is present in population databases (no rsID available, gnomAD 0.007%). This variant has not been reported in the literature in individuals affected with BAP1-related conditions. Advanced modeling of protein sequence and biophysical properties (such as structural, functional, and spatial information, amino acid conservation, physicochemical variation, residue mobility, and thermodynamic stability) performed at Invitae indicates that this missense variant is not expected to disrupt BAP1 protein function with a negative predictive value of 80%. In summary, the available evidence is currently insufficient to determine the role of this variant in disease. Therefore, it has been classified as a Variant of Uncertain Significance.

NM_004656.4(BAP1):c.200A>C (p.Asp67Ala)

Gene: BAP1 (BRCA1 associated deubiquitinase 1; minus strand). Cytogenetic location: 3p21.1.
Variant type: single nucleotide variant.
Coding change: c.200A>C on transcript NM_004656.4 (MANE Select); coding-DNA position 200, A replaced by C.
Protein change: p.Asp67Ala; replaces aspartic acid 67 with alanine.
Molecular consequence: missense variant.
Genome position (GRCh38, 1-based): chr3:52,408,529, T>G on the plus strand (A>C on the coding strand, the complement: BAP1 is on the minus strand). VCF-style: chr3-52408529-T-G. GRCh37 (hg19) VCF-style: chr3-52442545-T-G.
Other names: c.200A>C, p.Asp67Ala (NM_001410772.1); short protein forms D67A.
Identifiers: ClinVar variation 3652596 (VCV003652596.3).